The following is an entry in ClinVar:

NM_001008537.3(NEXMIF):c.2107A>G (p.Lys703Glu)

Gene: NEXMIF (neurite extension and migration factor; minus strand). Cytogenetic location: Xq13.3.
Variant type: single nucleotide variant.
Coding change: c.2107A>G on transcript NM_001008537.3 (MANE Select); coding-DNA position 2107, A replaced by G.
Protein change: p.Lys703Glu; replaces lysine 703 with glutamic acid.
Molecular consequence: missense variant.
Genome position (GRCh38, 1-based): chrX:74,742,450, T>C on the plus strand (A>G on the coding strand, the complement: NEXMIF is on the minus strand). VCF-style: chrX-74742450-T-C. GRCh37 (hg19) VCF-style: chrX-73962285-T-C.
Other names: short protein forms K703E.
Identifiers: ClinVar variation 3639243 (VCV003639243.2).

ClinVar aggregate classification (germline): Uncertain significance (1 of 4 stars; one submission).

Submission:

Labcorp Genetics (formerly Invitae), Labcorp
Classification: Uncertain significance. Last evaluated: 2024-02-23. Review status: criteria provided, single submitter. Criteria: Invitae Variant Classification Sherloc (09022015). Collection method: clinical testing. Allele origin: germline.
Comment: This sequence change replaces lysine, which is basic and polar, with glutamic acid, which is acidic and polar, at codon 703 of the NEXMIF protein (p.Lys703Glu). This variant is not present in population databases (gnomAD no frequency). This variant has not been reported in the literature in individuals affected with NEXMIF-related conditions. An algorithm developed to predict the effect of missense changes on protein structure and function (PolyPhen-2) suggests that this variant is likely to be disruptive. In summary, the available evidence is currently insufficient to determine the role of this variant in disease. Therefore, it has been classified as a Variant of Uncertain Significance.